The following is an entry in ClinVar:

ClinVar aggregate classification (germline): Uncertain significance (1 of 4 stars; one submission).

Conditions:
Hereditary breast ovarian cancer syndrome. Also called: Breast and ovarian cancer; Hereditary breast and/or ovarian cancer syndrome; BRCA1- and BRCA2-Associated Hereditary Breast and Ovarian Cancer; Hereditary breast and ovarian cancer syndrome; Hereditary breast and ovarian cancer syndrome (HBOC); Hereditary breast and ovarian cancer. Identifiers: Orphanet 145, MedGen C0677776, MeSH D061325, MONDO:0003582. Disease mechanism: loss of function.

Submissions (2):

Labcorp Genetics (formerly Invitae), Labcorp
Classification: Uncertain significance for Hereditary breast ovarian cancer syndrome. Last evaluated: 2017-12-21. Review status: criteria provided, single submitter. Criteria: Invitae Variant Classification Sherloc (09022015). Collection method: clinical testing. Allele origin: germline.
Comment: A different missense substitution at this codon (p.Pro1749Arg) has been shown to affect BRCA1 protein function (PMID: 21922593, 20516115, 28781887). In summary, the available evidence is currently insufficient to determine the role of this variant in disease. Therefore, it has been classified as a Variant of Uncertain Significance. Algorithms developed to predict the effect of missense changes on protein structure and function (SIFT, PolyPhen-2, Align-GVGD) all suggest that this variant is likely to be disruptive, but these predictions have not been confirmed by published functional studies and their clinical significance is uncertain. This variant has not been reported in the literature in individuals with BRCA1-related disease. This variant is not present in population databases (ExAC no frequency). This sequence change replaces proline with leucine at codon 1749 of the BRCA1 protein (p.Pro1749Leu). The proline residue is highly conserved and there is a moderate physicochemical difference between proline and leucine.

Brotman Baty Institute, University of Washington
No classification provided (evidence only). Condition: Breast-ovarian cancer, familial 1. Review status: no classification provided. Collection method: in vitro. Allele origin: not applicable. Functional consequence: functionally_abnormal. Not counted in ClinVar's aggregate classification.
ClinVar note: "not provided" was previously submitted as the classification for the variant. However, the classification appeared to be based only on an observation of functional data so it was converted to no classification on 2025-07-30.

Literature cited by the submitters: PubMed 21922593 (cited by Labcorp Genetics (formerly Invitae), Labcorp); PubMed 20516115 (cited by Labcorp Genetics (formerly Invitae), Labcorp); PubMed 28781887 (cited by Labcorp Genetics (formerly Invitae), Labcorp).

NM_007294.4(BRCA1):c.5246C>T (p.Pro1749Leu)

Gene: BRCA1 (BRCA1 DNA repair associated; minus strand). Cytogenetic location: 17q21.31.
Variant type: single nucleotide variant.
Coding change: c.5246C>T on transcript NM_007294.4 (MANE Select); coding-DNA position 5246, C replaced by T.
Protein change: p.Pro1749Leu; replaces proline 1749 with leucine.
Molecular consequence: missense variant. On other transcripts: non-coding transcript variant (1).
Genome position (GRCh38, 1-based): chr17:43,057,083, G>A on the plus strand (C>T on the coding strand, the complement: BRCA1 is on the minus strand). VCF-style: chr17-43057083-G-A. GRCh37 (hg19) VCF-style: chr17-41209100-G-A.
Other names: c.5033C>T, p.Pro1678Leu (NM_001407571.1, NM_001407894.1, NM_001407895.1 and 12 more transcripts); c.5312C>T, p.Pro1771Leu (NM_001407581.1, NM_001407582.1); c.5309C>T, p.Pro1770Leu (NM_001407583.1, NM_001407585.1, NM_001407587.1 and 1 more transcripts); c.5306C>T, p.Pro1769Leu (NM_001407590.1, NM_001407591.1); c.5246C>T, p.Pro1749Leu (NM_001407593.1, NM_001407594.1, NM_001407596.1 and 7 more transcripts); c.5243C>T, p.Pro1748Leu (NM_001407620.1, NM_001407621.1, NM_001407622.1 and 17 more transcripts); c.5240C>T, p.Pro1747Leu (NM_001407627.1, NM_001407628.1, NM_001407639.1 and 14 more transcripts); c.5237C>T, p.Pro1746Leu (NM_001407644.1, NM_001407645.1); and 72 more; short protein forms P1749L, P645L, P1702L, P1770L, P1595L, P1620L, P1622L, P1638L.
Identifiers: ClinVar variation 531311 (VCV000531311.12), dbSNP rs80357462, ClinGen allele CA10591054.